The following is an entry in ClinVar:

ClinVar aggregate classification (germline): Uncertain significance. Review status: criteria provided, multiple submitters, no conflicts (2 of 4 stars). 2 submissions from 2 submitters: Uncertain significance (2). Last evaluated 2025-05-16.

Conditions:
Cardiovascular phenotype. Identifiers: MedGen CN230736.
Dilated cardiomyopathy 1KK (CMD1KK). Identifiers: Orphanet 154, Orphanet 75249, MedGen C3714995, MONDO:0014100, OMIM 615248.

gnomAD v4.1: 49 of 1,613,908 alleles (0.003%); highest among the groups gnomAD compares: Non-Finnish European, 0.0041%; no homozygotes.

Submissions (2):

Ambry Genetics
Classification: Uncertain significance for Cardiovascular phenotype. Last evaluated: 2025-05-16. Review status: criteria provided, single submitter. Criteria: Ambry Variant Classification Scheme 2023. Collection method: clinical testing. Allele origin: germline.
Comment: The p.A1265S variant (also known as c.3793G>T), located in coding exon 18 of the MYPN gene, results from a G to T substitution at nucleotide position 3793. The alanine at codon 1265 is replaced by serine, an amino acid with similar properties. However, this change occurs in the last base pair of coding exon 18, which makes it likely to have some effect on normal mRNA splicing. This nucleotide position is highly conserved in available vertebrate species. In silico splice site analysis predicts that this alteration will not have any significant effect on splicing. This amino acid position is highly conserved in available vertebrate species. In addition, as a missense substitution this is predicted to be inconclusive by in silico analysis. Based on the available evidence, the clinical significance of this variant remains unclear.

Labcorp Genetics (formerly Invitae), Labcorp
Classification: Uncertain significance for Dilated cardiomyopathy 1KK. Last evaluated: 2022-03-08. Review status: criteria provided, single submitter. Criteria: Invitae Variant Classification Sherloc (09022015). Collection method: clinical testing. Allele origin: germline.
Comment: This sequence change replaces alanine, which is neutral and non-polar, with serine, which is neutral and polar, at codon 1265 of the MYPN protein (p.Ala1265Ser). This variant also falls at the last nucleotide of exon 19, which is part of the consensus splice site for this exon. This variant is present in population databases (no rsID available, gnomAD 0.006%). This variant has not been reported in the literature in individuals affected with MYPN-related conditions. ClinVar contains an entry for this variant (Variation ID: 1055655). Algorithms developed to predict the effect of missense changes on protein structure and function are either unavailable or do not agree on the potential impact of this missense change (SIFT: "Tolerated"; PolyPhen-2: "Possibly Damaging"; Align-GVGD: "Class C0"). Variants that disrupt the consensus splice site are a relatively common cause of aberrant splicing (PMID: 17576681, 9536098). Algorithms developed to predict the effect of sequence changes on RNA splicing suggest that this variant may disrupt the consensus splice site. In summary, the available evidence is currently insufficient to determine the role of this variant in disease. Therefore, it has been classified as a Variant of Uncertain Significance.

Literature cited by the submitters: PubMed 17576681 (cited by Labcorp Genetics (formerly Invitae), Labcorp); PubMed 9536098 (cited by Labcorp Genetics (formerly Invitae), Labcorp).

NM_032578.4(MYPN):c.3793G>T (p.Ala1265Ser)

Gene: MYPN (myopalladin; plus strand). Cytogenetic location: 10q21.3.
Variant type: single nucleotide variant.
Coding change: c.3793G>T on transcript NM_032578.4 (MANE Select); coding-DNA position 3793, G replaced by T.
Protein change: p.Ala1265Ser; replaces alanine 1265 with serine.
Molecular consequence: missense variant. On other transcripts: non-coding transcript variant (2).
Genome position (GRCh38, 1-based): chr10:68,206,903, G>T. VCF-style: chr10-68206903-G-T. GRCh37 (hg19) VCF-style: chr10-69966660-G-T.
Other names: c.3793G>T, p.Ala1265Ser (NM_001256267.2); c.2911G>T, p.Ala971Ser (NM_001256268.2); c.3793G>T (NM_032578.2); short protein forms A1265S, A971S.
Identifiers: ClinVar variation 1055655 (VCV001055655.7), dbSNP rs199476416, ClinGen allele CA376829248.